The following is an entry in ClinVar:

NM_001037333.3(CYFIP2):c.2064T>C (p.Asp688=)

Gene: CYFIP2 (cytoplasmic FMR1 interacting protein 2; plus strand). Cytogenetic location: 5q33.3.
Variant type: single nucleotide variant.
Coding change: c.2064T>C on transcript NM_001037333.3 (MANE Select); coding-DNA position 2064, T replaced by C.
Protein change: p.Asp688=; no amino-acid change (aspartic acid 688 retained).
Molecular consequence: synonymous variant.
Genome position (GRCh38, 1-based): chr5:157,326,252, T>C. VCF-style: chr5-157326252-T-C. GRCh37 (hg19) VCF-style: chr5-156753260-T-C.
Other names: c.1986T>C, p.Asp662= (NM_001291721.2); c.2139T>C, p.Asp713= (NM_001291722.2); c.2064T>C, p.Asp688= (NM_014376.4).
Identifiers: ClinVar variation 1967112 (VCV001967112.7), dbSNP rs2532422712, ClinGen allele CA447439384.

ClinVar aggregate classification (germline): Likely benign. Review status: criteria provided, multiple submitters, no conflicts (2 of 4 stars). 2 submissions from 2 submitters: Likely benign (2). Last evaluated 2026-06-01.

Submissions (2):

CeGaT Center for Human Genetics Tuebingen
Classification: Likely benign. Last evaluated: 2026-06-01. Review status: criteria provided, single submitter. Criteria: CeGaT Center For Human Genetics Tuebingen Variant Classification Criteria Version 2. Collection method: clinical testing. Allele origin: germline. Affected: yes. Observed: 1 variant allele.
Comment: CYFIP2: PM2:Supporting, BP4, BP7

Labcorp Genetics (formerly Invitae), Labcorp
Classification: Likely benign. Last evaluated: 2022-02-09. Review status: criteria provided, single submitter. Criteria: Invitae Variant Classification Sherloc (09022015). Collection method: clinical testing. Allele origin: germline.